The following is an entry in ClinVar:

NM_000057.4(BLM):c.99-8_112del

Gene: BLM (BLM RecQ like helicase; plus strand). Cytogenetic location: 15q26.1.
Variant type: Deletion.
Coding change: c.99-8_112del on transcript NM_000057.4 (MANE Select); 8 bases into the intron before coding-DNA position 99 through coding-DNA position 112, 22 bases deleted (TTTTTCAGAGGTTTCACTTTTA).
Molecular consequence: splice acceptor variant.
Genome position (GRCh38, 1-based): chr15:90,749,359-90,749,380, TTTTTCAGAGGTTTCACTTTTA deleted; deleting any 22 consecutive bases within chr15:90,749,356-90,749,380 gives the same sequence; the c. name uses the placement nearest the transcript's 3' end. VCF-style (leftmost placement, unchanged base first): chr15-90749355-ATTATTTTTCAGAGGTTTCACTT-A. GRCh37 (hg19) VCF-style: chr15-91292585-ATTATTTTTCAGAGGTTTCACTT-A.
Other names: c.99-8_112del (NM_001287246.2, NM_001287247.2); c.-1193-8_-1180del (NM_001287248.2); c.99-8_112del22 (NM_000057.2).
Identifiers: ClinVar variation 1500163 (VCV001500163.11), dbSNP rs2151146678, ClinGen allele CA2573151380.

ClinVar aggregate classification (germline): Pathogenic/Likely pathogenic. Review status: criteria provided, multiple submitters, no conflicts (2 of 4 stars). 4 submissions from 4 submitters: Pathogenic (1); Likely pathogenic (3). Last evaluated 2025-06-09.

Conditions:
Hereditary cancer-predisposing syndrome. Also called: Tumor predisposition; Hereditary neoplastic syndrome; Neoplastic Syndromes, Hereditary; Hereditary Cancer Syndrome. Identifiers: Orphanet 140162, MedGen C0027672, MeSH D009386, MONDO:0015356.
Colorectal cancer. Also called: Colorectal cancer, somatic; Malignant Colorectal Neoplasm. Identifiers: MedGen C0346629, MONDO:0005575, OMIM 114500.
Bloom syndrome (BLM). Also called: Bloom-Torre-Machacek syndrome. Identifiers: Orphanet 125, MedGen C0005859, MONDO:0008876, OMIM 210900.

Submissions (4):

Labcorp Genetics (formerly Invitae), Labcorp
Classification: Likely pathogenic for Bloom syndrome. Last evaluated: 2025-06-09. Review status: criteria provided, single submitter. Criteria: Invitae Variant Classification Sherloc (09022015). Collection method: clinical testing. Allele origin: germline.
Comment: This variant results in the deletion of part of exon 3 (c.99-8_112del) of the BLM gene. It is expected to disrupt RNA splicing. Variants that disrupt the donor or acceptor splice site typically lead to a loss of protein function (PMID: 16199547), and loss-of-function variants in BLM are known to be pathogenic (PMID: 17407155). This variant is not present in population databases (gnomAD no frequency). This variant has not been reported in the literature in individuals affected with BLM-related conditions. ClinVar contains an entry for this variant (Variation ID: 1500163). In summary, the currently available evidence indicates that the variant is pathogenic, but additional data are needed to prove that conclusively. Therefore, this variant has been classified as Likely Pathogenic.

3billion
Classification: Pathogenic for Bloom syndrome. Last evaluated: 2024-07-04. Review status: criteria provided, single submitter. Criteria: ACMG Guidelines, 2015. Collection method: clinical testing. Allele origin: germline. Affected: yes.
Comment: The variant is observed at an extremely low frequency in the gnomAD v4.0.0 dataset (total allele frequency: <0.001%). Predicted Consequence/Location: Canonical splice site: predicted to alter splicing and result in a loss or disruption of normal protein function. Multiple pathogenic loss-of-function variants are reported downstream of the variant. In silico tools predict the variant to alter splicing and produce an abnormal transcript [SpliceAI: 0.96 (spliceogenicity >=0.2, non-spliceogenicity <0.1)]. The variant has been reported at least twice as pathogenic with clinical assertions and evidence for the classification (ClinVar ID: VCV000370200 /PMID: 17407155). Therefore, this variant is classified as Pathogenic according to the recommendation of ACMG/AMP guideline.

Ambry Genetics
Classification: Likely pathogenic for Hereditary cancer-predisposing syndrome. Last evaluated: 2024-02-01. Review status: criteria provided, single submitter. Criteria: Ambry Variant Classification Scheme 2023. Collection method: clinical testing. Allele origin: germline.
Comment: The c.99-8_112del22 variant, which spans from intron 1 to coding exon 2 of the BLM gene, results from a deletion of 22 nucleotides at position c.99-8 to c.112. The canonical splice acceptor site is highly conserved in available vertebrate species. In silico splice site analysis predicts that this alteration will weaken the native splice acceptor site; however, direct evidence is insufficient at this time (Ambry internal data). Alterations that disrupt the canonical splice site are expected to cause aberrant splicing, resulting in an abnormal protein or a transcript that is subject to nonsense-mediated mRNA decay. As such, this alteration is classified as likely pathogenic.

Department of Genomics, ADN Uruguay
Classification: Likely pathogenic for Colorectal cancer. Last evaluated: 2023-03-24. Review status: criteria provided, single submitter. Criteria: Assertion Criteria Germline. Collection method: clinical testing. Allele origin: germline. Inheritance: Autosomal recessive inheritance. Affected: yes. Observed: 1 variant allele.
Comment: The c.99-8_112delTTTTTCAGAGGTTTCACTTTTA variant of BLM gene is a deletion variant spanning the ±2 bp region of exons and introns, which may cause abnormal mRNA cleavage or/and frameshift variants, leading to the abnormality of the encoded protein. Its pathogenicity has not been reported in the literature(s). In the 1000 Genome Project database and the GnomAD database, the frequencies of this variant were no record and no record, respectively. According to ACMG Guidelines (2015), this variant has been regarded as 'Likely Pathogenic'.

Literature cited by the submitters: PubMed 16199547 (cited by Labcorp Genetics (formerly Invitae), Labcorp); PubMed 17407155 (cited by Labcorp Genetics (formerly Invitae), Labcorp).